The following is an entry in ClinVar:

NM_014727.3(KMT2B):c.6965G>T (p.Ser2322Ile)

Gene: KMT2B (lysine methyltransferase 2B; plus strand). Cytogenetic location: 19q13.12.
Variant type: single nucleotide variant.
Coding change: c.6965G>T on transcript NM_014727.3 (MANE Select); coding-DNA position 6965, G replaced by T.
Protein change: p.Ser2322Ile; replaces serine 2322 with isoleucine.
Molecular consequence: missense variant.
Genome position (GRCh38, 1-based): chr19:35,733,602, G>T. VCF-style: chr19-35733602-G-T. GRCh37 (hg19) VCF-style: chr19-36224503-G-T.
Other names: short protein forms S2322I.
Identifiers: ClinVar variation 3619968 (VCV003619968.2).
Genomic context (GRCh38, chr19:35,733,602, plus strand): 5'-AAGGGGGCAGATGGGCGGGAGATGCGGCTCATCCTTCTCGGGCTCGCCCTCCCAGGTTTA[G>T]CCGTGTGAGGATGAAAACCCCCACAGTGCGTGGGGTCCTTGACCTGGATCGGCCTGGGGA-3'
Protein context (NP_055542.1, residues 2312-2332): QVPGLGSGGF[Ser2322Ile]RVRMKTPTVR

ClinVar aggregate classification (germline): Uncertain significance (1 of 4 stars; one submission).

gnomAD v4.1: 5 of 1,578,580 alleles (0.00032%); highest among the groups gnomAD compares: Non-Finnish European, 0.00043%; no homozygotes.

Submission:

Labcorp Genetics (formerly Invitae), Labcorp
Classification: Uncertain significance. Last evaluated: 2025-01-07. Review status: criteria provided, single submitter. Criteria: Invitae Variant Classification Sherloc (09022015). Collection method: clinical testing. Allele origin: germline.
Comment: This sequence change replaces serine, which is neutral and polar, with isoleucine, which is neutral and non-polar, at codon 2322 of the KMT2B protein (p.Ser2322Ile). This variant is not present in population databases (gnomAD no frequency). This variant has not been reported in the literature in individuals affected with KMT2B-related conditions. Invitae Evidence Modeling of protein sequence and biophysical properties (such as structural, functional, and spatial information, amino acid conservation, physicochemical variation, residue mobility, and thermodynamic stability) indicates that this missense variant is not expected to disrupt KMT2B protein function with a negative predictive value of 95%. In summary, the available evidence is currently insufficient to determine the role of this variant in disease. Therefore, it has been classified as a Variant of Uncertain Significance.